The following is an entry in ClinVar:

ClinVar aggregate classification (germline): Uncertain significance. Review status: criteria provided, multiple submitters, no conflicts (2 of 4 stars). 2 submissions from 2 submitters: Uncertain significance (2). Last evaluated 2025-06-10.

Conditions:
TRRAP-related disorder. Also called: TRRAP-related condition.

Allele frequency attached by ClinVar (database versions not stated): gnomAD exomes 0.00001; ExAC 0.00002.
gnomAD v4.1: 9 of 1,614,134 alleles (0.00056%); highest among the groups gnomAD compares: East Asian, 0.0022%; no homozygotes.

Submissions (2):

PreventionGenetics, part of Exact Sciences
Classification: Uncertain significance for TRRAP-related condition. Last evaluated: 2025-06-10. Review status: criteria provided, single submitter. Criteria: ACMG Guidelines, 2015. Collection method: clinical testing. Allele origin: germline.
Comment: The TRRAP c.10919G>A variant is predicted to result in the amino acid substitution p.Arg3640Gln. To our knowledge, this variant has not been reported in the literature. This variant is reported in 0.0054% of alleles in individuals of East Asian descent in gnomAD. At this time, the clinical significance of this variant is uncertain due to the absence of conclusive functional and genetic evidence.

Labcorp Genetics (formerly Invitae), Labcorp
Classification: Uncertain significance. Last evaluated: 2024-07-17. Review status: criteria provided, single submitter. Criteria: Invitae Variant Classification Sherloc (09022015). Collection method: clinical testing. Allele origin: germline.
Comment: This sequence change replaces arginine, which is basic and polar, with glutamine, which is neutral and polar, at codon 3640 of the TRRAP protein (p.Arg3640Gln). This variant is present in population databases (rs764801736, gnomAD 0.006%). This variant has not been reported in the literature in individuals affected with TRRAP-related conditions. ClinVar contains an entry for this variant (Variation ID: 1932540). Advanced modeling of protein sequence and biophysical properties (such as structural, functional, and spatial information, amino acid conservation, physicochemical variation, residue mobility, and thermodynamic stability) performed at Invitae indicates that this missense variant is expected to disrupt TRRAP protein function with a positive predictive value of 80%. In summary, the available evidence is currently insufficient to determine the role of this variant in disease. Therefore, it has been classified as a Variant of Uncertain Significance.

NM_001375524.1(TRRAP):c.11048G>A (p.Arg3683Gln)

Gene: TRRAP (transformation/transcription domain associated protein; plus strand). Cytogenetic location: 7q22.1.
Variant type: single nucleotide variant.
Coding change: c.11048G>A on transcript NM_001375524.1 (MANE Select); coding-DNA position 11048, G replaced by A.
Protein change: p.Arg3683Gln; replaces arginine 3683 with glutamine.
Molecular consequence: missense variant.
Genome position (GRCh38, 1-based): chr7:99,011,161, G>A. VCF-style: chr7-99011161-G-A. GRCh37 (hg19) VCF-style: chr7-98608784-G-A.
Other names: c.10919G>A (NM_003496.3); c.11006G>A, p.Arg3669Gln (NM_001244580.2); c.10919G>A, p.Arg3640Gln (NM_003496.4); short protein forms R3683Q, R3640Q, R3669Q.
Identifiers: ClinVar variation 1932540 (VCV001932540.6), dbSNP rs764801736, ClinGen allele CA4362074.